The following is an entry in ClinVar:

NM_000535.7(PMS2):c.461G>A (p.Gly154Glu)

Gene: PMS2 (PMS1 homolog 2, mismatch repair system component; minus strand). Cytogenetic location: 7p22.1.
Variant type: single nucleotide variant.
Coding change: c.461G>A on transcript NM_000535.7 (MANE Select); coding-DNA position 461, G replaced by A.
Protein change: p.Gly154Glu; replaces glycine 154 with glutamic acid.
Molecular consequence: missense variant. On other transcripts: 5 prime UTR variant (2), non-coding transcript variant (1), intron variant (1).
Genome position (GRCh38, 1-based): chr7:6,002,529, C>T on the plus strand (G>A on the coding strand, the complement: PMS2 is on the minus strand). VCF-style: chr7-6002529-C-T. GRCh37 (hg19) VCF-style: chr7-6042160-C-T.
Other names: c.56G>A, p.Gly19Glu (NM_001322003.2, NM_001322004.2, NM_001322005.2 and 24 more transcripts); c.461G>A, p.Gly154Glu (NM_001322006.2, NM_001322014.2, NM_001406869.1 and 8 more transcripts); c.143G>A, p.Gly48Glu (NM_001322007.2, NM_001322008.2, NM_001406876.1 and 4 more transcripts); c.-424G>A (NM_001322011.2, NM_001322012.2); c.152G>A, p.Gly51Glu (NM_001322015.2, NM_001406875.1, NM_001406877.1 and 6 more transcripts); c.647G>A, p.Gly216Glu (NM_001406866.1); c.485G>A, p.Gly162Glu (NM_001406868.1); c.250+1443G>A (NM_001406885.1); short protein forms G216E, G51E, G48E, G154E, G162E, G19E.
Identifiers: ClinVar variation 3632248 (VCV003632248.2).

ClinVar aggregate classification (germline): Conflicting classifications of pathogenicity. Review status: criteria provided, conflicting classifications (1 of 4 stars). 2 submissions from 2 submitters: Likely pathogenic (1); Uncertain significance (1). Last evaluated 2025-11-13.

Conditions:
Hereditary nonpolyposis colorectal neoplasms. Identifiers: MedGen C0009405, MeSH D003123.
Lynch syndrome 4 (LYNCH4). Also called: Colorectal cancer, hereditary nonpolyposis, type 4; Hereditary non-polyposis colorectal cancer, type 4. Identifiers: Orphanet 144, MedGen C1838333, MONDO:0013699, OMIM 614337. Disease mechanism: loss of function.

Submissions (2):

University of Washington Department of Laboratory Medicine, University of Washington
Classification: Likely pathogenic for Lynch syndrome 4. Last evaluated: 2025-11-13. Review status: criteria provided, single submitter. Criteria: Shirts BH et al. (Am J Hum Genet 2018). Collection method: clinical testing. Allele origin: de novo. Affected: yes.
Comment: We classify the PMS2 c.461G>A (p.Gly154Glu) variant as likely pathogenic based on internal and published evidence. Tumor sequencing revealed a second somatic PMS2 mutation, supporting biallelic inactivation of PMS2 and fulfilling PS3_supporting based on functional tumor evidence. The use of tumor molecular features and somatic evidence to inform germline variant classification has been described in the literature (Shirts et al., 2018. Genet Med. PMID: 29887214). The p.Gly154Glu alteration occurs in a highly conserved region of PMS2 and results in the replacement of a small, nonpolar glycine residue with a larger, negatively charged glutamic acid, a non-conservative change predicted to impact local protein structure. Multiple in silico prediction tools (SIFT, PolyPhen-2, Align-GVGD) predict this variant to be deleterious, supporting PP3. This variant is absent from large population databases, including gnomAD v4.0.0, meeting PM2_supporting. Taken together, the evidence of biallelic inactivation in tumor tissue, absence from population databases, deleterious computational predictions, high conservation at the affected residue, and prior literature association with Lynch syndrome support a likely pathogenic classification for this PMS2:c.461G>A (p.Gly154Glu) variant.

Labcorp Genetics (formerly Invitae), Labcorp
Classification: Uncertain significance for Hereditary nonpolyposis colorectal neoplasms. Last evaluated: 2024-07-03. Review status: criteria provided, single submitter. Criteria: Invitae Variant Classification Sherloc (09022015). Collection method: clinical testing. Allele origin: germline.
Comment: This sequence change replaces glycine, which is neutral and non-polar, with glutamic acid, which is acidic and polar, at codon 154 of the PMS2 protein (p.Gly154Glu). This variant is not present in population databases (gnomAD no frequency). This variant has not been reported in the literature in individuals affected with PMS2-related conditions. Advanced modeling of protein sequence and biophysical properties (such as structural, functional, and spatial information, amino acid conservation, physicochemical variation, residue mobility, and thermodynamic stability) performed at Invitae indicates that this missense variant is expected to disrupt PMS2 protein function with a positive predictive value of 80%. In summary, the available evidence is currently insufficient to determine the role of this variant in disease. Therefore, it has been classified as a Variant of Uncertain Significance.

Literature cited by the submitters: PubMed 29717530 (cited by University of Washington Department of Laboratory Medicine, University of Washington).